The following is an entry in ClinVar:

ClinVar aggregate classification (germline): Uncertain significance (1 of 4 stars; one submission).

Allele frequency attached by ClinVar (database versions not stated): gnomAD exomes below 0.00001.
gnomAD v4.1: 1 of 1,614,142 alleles (0.000062%); no homozygotes.

Submission:

Labcorp Genetics (formerly Invitae), Labcorp
Classification: Uncertain significance. Last evaluated: 2022-08-11. Review status: criteria provided, single submitter. Criteria: Invitae Variant Classification Sherloc (09022015). Collection method: clinical testing. Allele origin: germline.
Comment: In summary, the available evidence is currently insufficient to determine the role of this variant in disease. Therefore, it has been classified as a Variant of Uncertain Significance. Algorithms developed to predict the effect of missense changes on protein structure and function (SIFT, PolyPhen-2, Align-GVGD) all suggest that this variant is likely to be disruptive. This sequence change replaces proline, which is neutral and non-polar, with serine, which is neutral and polar, at codon 653 of the EMC1 protein (p.Pro653Ser). This variant is not present in population databases (gnomAD no frequency). This variant has not been reported in the literature in individuals affected with EMC1-related conditions.

NM_015047.3(EMC1):c.1957C>T (p.Pro653Ser)

Genes: EMC1 (ER membrane protein complex subunit 1; minus strand), EMC1-AS1 (EMC1 antisense RNA 1; plus strand). Cytogenetic location: 1p36.13.
Variant type: single nucleotide variant.
Coding change: c.1957C>T on transcript NM_015047.3 (MANE Select); coding-DNA position 1957, C replaced by T.
Protein change: p.Pro653Ser; replaces proline 653 with serine.
Molecular consequence: missense variant.
Genome position (GRCh38, 1-based): chr1:19,230,951, G>A on the plus strand (C>T on the coding strand, the complement: EMC1 is on the minus strand). VCF-style: chr1-19230951-G-A. GRCh37 (hg19) VCF-style: chr1-19557445-G-A.
Other names: c.1954C>T, p.Pro652Ser (NM_001271427.2, NM_001271428.2); c.1891C>T, p.Pro631Ser (NM_001271429.2); c.1966C>T, p.Pro656Ser (NM_001375820.1); c.1963C>T, p.Pro655Ser (NM_001375821.1); short protein forms P631S, P652S, P653S, P656S, P655S.
Identifiers: ClinVar variation 1903599 (VCV001903599.5), dbSNP rs2536718979, ClinGen allele CA338758931.
Genomic context (GRCh38, chr1:19,230,951, plus strand): 5'-AATAGAAGAAGATGGAAGGGGCAAGCTCATGTAGCTGTCGCAAGACATTCCGAGTGGCTG[G>A]AAAAGCTGTGACCTTGAAAAACCCAGAGAGCCCAAGGAAAGAGTTAGGAAATTTCCCCAT-3'
Protein context (NP_055862.1, residues 643-663): IDDEYKVTAF[Pro653Ser]ATRNVLRQLH